The following is an entry in ClinVar:

ClinVar aggregate classification (germline): Uncertain significance (1 of 4 stars; one submission).

Conditions:
Primary dilated cardiomyopathy (DCM). Also called: Dilated Cardiomyopathy. Identifiers: Orphanet 217604, MedGen C0007193, MeSH D002311, MONDO:0005021, HP:0001644. Inheritance: Various modes of inheritance.

gnomAD v4.1: 2 of 1,612,644 alleles (0.00012%); highest among the groups gnomAD compares: African/African-American, 0.0013%; no homozygotes.

Submission:

Labcorp Genetics (formerly Invitae), Labcorp
Classification: Uncertain significance for Primary dilated cardiomyopathy. Last evaluated: 2024-12-25. Review status: criteria provided, single submitter. Criteria: Invitae Variant Classification Sherloc (09022015). Collection method: clinical testing. Allele origin: germline.
Comment: This sequence change replaces valine, which is neutral and non-polar, with methionine, which is neutral and non-polar, at codon 501 of the NEBL protein (p.Val501Met). This variant is not present in population databases (gnomAD no frequency). This variant has not been reported in the literature in individuals affected with NEBL-related conditions. An algorithm developed to predict the effect of missense changes on protein structure and function (PolyPhen-2) suggests that this variant is likely to be disruptive. In summary, the available evidence is currently insufficient to determine the role of this variant in disease. Therefore, it has been classified as a Variant of Uncertain Significance.

NM_006393.3(NEBL):c.1501G>A (p.Val501Met)

Gene: NEBL (nebulette; minus strand). Cytogenetic location: 10p12.31.
Variant type: single nucleotide variant.
Coding change: c.1501G>A on transcript NM_006393.3 (MANE Select); coding-DNA position 1501, G replaced by A.
Protein change: p.Val501Met; replaces valine 501 with methionine.
Molecular consequence: missense variant. On other transcripts: intron variant (9).
Genome position (GRCh38, 1-based): chr10:20,831,532, C>T on the plus strand (G>A on the coding strand, the complement: NEBL is on the minus strand). VCF-style: chr10-20831532-C-T. GRCh37 (hg19) VCF-style: chr10-21120461-C-T.
Other names: c.250-18592G>A (NM_001377326.1, NM_001377327.1, NM_001377328.1); c.358-18592G>A (NM_213569.2, NM_001173484.2, NM_001377322.1); c.301-18592G>A (NM_001377324.1); c.292-18592G>A (NM_001377325.1); c.310-18592G>A (NM_001377323.1); short protein forms V501M.
Identifiers: ClinVar variation 3624918 (VCV003624918.2).
Genomic context (GRCh38, chr10:20,831,532, plus strand): 5'-CCTGGCTGGCCATCTCGGATGCTTTCTTAGCTCTCTGGACATCAAGAGTGTCTGTGCTCA[C>T]CTGCATCCCTTTCCCTTTAATTTCAGTCTCCAGATCTCTTTTATAGTCTTTCTGCAGAAA-3'
Protein context (NP_006384.1, residues 491-511): ETEIKGKGMQ[Val501Met]STDTLDVQRA